The following is an entry in ClinVar:

NM_000540.3(RYR1):c.7495_7496dup (p.Ala2500fs)

Gene: RYR1 (ryanodine receptor 1; plus strand). Cytogenetic location: 19q13.2.
Variant type: Duplication.
Coding change: c.7495_7496dup on transcript NM_000540.3 (MANE Select); coding-DNA positions 7495 to 7496, 2 bases duplicated (AA; older notation c.7495_7496dupAA).
Protein change: p.Ala2500fs; shifts the reading frame from alanine 2500.
Molecular consequence: frameshift variant.
Genome position (GRCh38, 1-based): chr19:38,500,871-38,500,872, AA duplicated. VCF-style (leftmost placement, unchanged base first): chr19-38500870-C-CAA. GRCh37 (hg19) VCF-style: chr19-38991510-C-CAA.
Other names: c.7495_7496dup, p.Ala2500fs (NM_001042723.2); short protein forms A2500fs.
Identifiers: ClinVar variation 3074513 (VCV003074513.1), dbSNP rs2514322021, ClinGen allele CA2825002782.

ClinVar aggregate classification (germline): Uncertain significance (1 of 4 stars; one submission).

Conditions:
Malignant hyperthermia, susceptibility to, 1 (MHS1). Also called: Anesthesia related hyperthermia; Malignant hyperpyrexia; Fulminating hyperpyrexia; Pharmacogenic myopathy; RYR1-Related Malignant Hyperthermia Susceptibility; Malignant hyperthermia suceptibility 1. Identifiers: Orphanet 423, MedGen C2930980, MONDO:0007783, OMIM 145600.

Submission:

All of Us Research Program, National Institutes of Health
Classification: Uncertain significance for Malignant hyperthermia, susceptibility to, 1. Last evaluated: 2023-11-20. Review status: criteria provided, single submitter. Criteria: ACMG Guidelines, 2015. Collection method: clinical testing. Allele origin: germline. Inheritance: Autosomal dominant inheritance. Observed: 1 variant allele, 1 heterozygote.
Comment: This variant inserts 2 nucleotides in exon 47 of the RYR1 gene, creating a frameshift and premature translation stop signal. This variant is expected to result in an absent or non-functional protein product. To our knowledge, this variant has not been reported in individuals affected with RYR1-related disorders in the literature. This variant has not been identified in the general population by the Genome Aggregation Database (gnomAD). Loss of RYR1 function due to truncation variants is not an established disease mechanism for autosomal dominant malignant hyperthermia, although it is associated with other phenotype(s). Due to insufficient evidence, this variant is classified as a Variant of Uncertain Significance for autosomal dominant malignant hyperthermia.

This study involves interpretation of variants in research participants for the purpose of population health screening. Participant phenotype was not available at the time of variant classification. Additional details can be found in publication PMID: 35346344, PMCID: PMC8962531